The following is an entry in ClinVar:

NM_000350.3(ABCA4):c.6730-19G>A

Gene: ABCA4 (ATP binding cassette subfamily A member 4; minus strand). Cytogenetic location: 1p22.1.
Variant type: single nucleotide variant.
Coding change: c.6730-19G>A on transcript NM_000350.3 (MANE Select); 19 bases into the intron before coding-DNA position 6730, G replaced by A.
Molecular consequence: intron variant.
Genome position (GRCh38, 1-based): chr1:93,996,214, C>T on the plus strand (G>A on the coding strand, the complement: ABCA4 is on the minus strand). VCF-style: chr1-93996214-C-T. GRCh37 (hg19) VCF-style: chr1-94461770-C-T.
Identifiers: ClinVar variation 255926 (VCV000255926.52), dbSNP rs375179475, ClinGen allele CA956795.

ClinVar aggregate classification (germline): Conflicting classifications of pathogenicity. Review status: criteria provided, conflicting classifications (1 of 4 stars). 5 submissions from 5 submitters: Pathogenic (1); Benign (2); Likely benign (2). Last evaluated 2026-01-28.

Allele frequency attached by ClinVar (database versions not stated): ESP Exome Variant Server 0.00031; gnomAD 0.00051 and 0.00052; TOPMed 0.00063; ExAC 0.00069; gnomAD exomes 0.00080.

Submissions (5):

Labcorp Genetics (formerly Invitae), Labcorp
Classification: Benign. Last evaluated: 2026-01-28. Review status: criteria provided, single submitter. Criteria: Invitae Variant Classification Sherloc (09022015). Collection method: clinical testing. Allele origin: germline.

Blueprint Genetics
Classification: Likely benign. Last evaluated: 2024-07-02. Review status: criteria provided, single submitter. Criteria: ACMG Guidelines, 2015. Collection method: clinical testing. Allele origin: germline.

CeGaT Center for Human Genetics Tuebingen
Classification: Pathogenic. Last evaluated: 2017-08-01. Review status: criteria provided, single submitter. Criteria: CeGaT Center For Human Genetics Tuebingen Variant Classification Criteria Version 2. Collection method: clinical testing. Allele origin: germline. Affected: yes. Observed: 1 variant allele.

GeneDx
Classification: Benign. Last evaluated: 2015-09-01. Review status: criteria provided, single submitter. Criteria: GeneDx Variant Classification (06012015). Collection method: clinical testing. Allele origin: germline. Affected: yes.
Comment: This variant is considered likely benign or benign based on one or more of the following criteria: it is a conservative change, it occurs at a poorly conserved position in the protein, it is predicted to be benign by multiple in silico algorithms, and/or has population frequency not consistent with disease.

PreventionGenetics, part of Exact Sciences
Classification: Likely benign. Review status: criteria provided, single submitter. Criteria: ACMG Guidelines, 2015. Collection method: clinical testing. Allele origin: germline.